The following is an entry in ClinVar:

ClinVar aggregate classification (germline): Benign. Review status: criteria provided, multiple submitters, no conflicts (2 of 4 stars). 5 submissions from 5 submitters: Benign (5). Last evaluated 2026-01-31.

Allele frequency attached by ClinVar (database versions not stated): 1000 Genomes Project 30x 0.00281; 1000 Genomes Project 0.00339; TOPMed 0.00591; ExAC 0.00645; gnomAD exomes 0.00678 and 0.00950; ESP Exome Variant Server 0.00706; gnomAD 0.00736 and 0.00774.
gnomAD v4.1: 14,877 of 1,613,848 alleles (0.92%); highest among the groups gnomAD compares: Non-Finnish European, 1.1%; 71 homozygotes.

Submissions (5):

Labcorp Genetics (formerly Invitae), Labcorp
Classification: Benign. Last evaluated: 2026-01-31. Review status: criteria provided, single submitter. Criteria: Invitae Variant Classification Sherloc (09022015). Collection method: clinical testing. Allele origin: germline.

CeGaT Center for Human Genetics Tuebingen
Classification: Benign. Last evaluated: 2026-01-01. Review status: criteria provided, single submitter. Criteria: CeGaT Center For Human Genetics Tuebingen Variant Classification Criteria Version 2. Collection method: clinical testing. Allele origin: germline. Affected: yes. Observed: 11 variant alleles.
Comment: FAT1: BP4, BS1, BS2

Mayo Clinic Laboratories, Mayo Clinic
Classification: Benign. Last evaluated: 2024-11-25. Review status: criteria provided, single submitter. Criteria: ACMG Guidelines, 2015. Collection method: clinical testing. Allele origin: germline. Observed: 3 variant alleles.
Comment: BS1, BS2

GeneDx
Classification: Benign. Last evaluated: 2020-11-03. Review status: criteria provided, single submitter. Criteria: GeneDx Variant Classification Process June 2021. Collection method: clinical testing. Allele origin: germline. Affected: yes.
Comment: This variant is associated with the following publications: (PMID: 30054724)

Breakthrough Genomics
Classification: Benign. Review status: criteria provided, single submitter. Criteria: ACMG Guidelines, 2015. Collection method: not provided. Allele origin: germline. Inheritance: Unknown mechanism. Affected: yes.

Literature cited by the submitters: PubMed 30054724 (cited by Mayo Clinic Laboratories, Mayo Clinic); PubMed 31308072 (cited by Mayo Clinic Laboratories, Mayo Clinic).

NM_005245.4(FAT1):c.3803G>A (p.Arg1268Gln)

Gene: FAT1 (FAT atypical cadherin 1; minus strand). Cytogenetic location: 4q35.2.
Variant type: single nucleotide variant.
Coding change: c.3803G>A on transcript NM_005245.4 (MANE Select); coding-DNA position 3803, G replaced by A.
Protein change: p.Arg1268Gln; replaces arginine 1268 with glutamine.
Molecular consequence: missense variant.
Genome position (GRCh38, 1-based): chr4:186,636,754, C>T on the plus strand (G>A on the coding strand, the complement: FAT1 is on the minus strand). VCF-style: chr4-186636754-C-T. GRCh37 (hg19) VCF-style: chr4-187557908-C-T.
Other names: p.Arg1268Gln; short protein forms R1268Q.
Identifiers: ClinVar variation 773163 (VCV000773163.36), dbSNP rs113970444, ClinGen allele CA3166906.
Genomic context (GRCh38, chr4:186,636,754, plus strand): 5'-GAGATTTCTGCATTGGGGCCCTCATCCTTGTCGGTGGCTATGACGTGATAGAGCGGCTCC[C>T]GTCTGGCATTTCTTTCTCGGTCTGGCTTTTCCCGCTCAGGGAGTCTGATTTTGTAGAACT-3'
Protein context (NP_005236.2, residues 1258-1278): EKPDRERNAR[Arg1268Gln]EPLYHVIATD